The following is an entry in ClinVar:

NM_000276.4(OCRL):c.448G>A (p.Gly150Arg)

Gene: OCRL (OCRL inositol polyphosphate-5-phosphatase; plus strand). Cytogenetic location: Xq26.1.
Variant type: single nucleotide variant.
Coding change: c.448G>A on transcript NM_000276.4 (MANE Select); coding-DNA position 448, G replaced by A.
Protein change: p.Gly150Arg; replaces glycine 150 with arginine.
Molecular consequence: missense variant.
Genome position (GRCh38, 1-based): chrX:129,558,641, G>A. VCF-style: chrX-129558641-G-A. GRCh37 (hg19) VCF-style: chrX-128692618-G-A.
Other names: c.451G>A, p.Gly151Arg (NM_001318784.2); c.448G>A, p.Gly150Arg (NM_001587.4); short protein forms G151R, G150R.
Identifiers: ClinVar variation 3923810 (VCV003923810.2).

ClinVar aggregate classification (germline): Uncertain significance. Review status: criteria provided, multiple submitters, no conflicts (2 of 4 stars). 2 submissions from 2 submitters: Uncertain significance (2). Last evaluated 2025-07-05.

Conditions:
Lowe syndrome (OCRL). Also called: LOWE OCULOCEREBRORENAL SYNDROME; PHOSPHATIDYLINOSITOL 4,5-BISPHOSPHATE 5-PHOSPHATASE DEFICIENCY; Oculocerebrorenal Syndrome. Identifiers: Orphanet 534, MedGen C0028860, MONDO:0010645, OMIM 309000.
Nephrolithiasis/nephrocalcinosis. Identifiers: MedGen CN580796.

Submissions (2):

Labcorp Genetics (formerly Invitae), Labcorp
Classification: Uncertain significance for Lowe syndrome. Last evaluated: 2025-07-05. Review status: criteria provided, single submitter. Criteria: Invitae Variant Classification Sherloc (09022015). Collection method: clinical testing. Allele origin: germline.
Comment: This sequence change replaces glycine, which is neutral and non-polar, with arginine, which is basic and polar, at codon 150 of the OCRL protein (p.Gly150Arg). This variant is not present in population databases (gnomAD no frequency). This variant has not been reported in the literature in individuals affected with OCRL-related conditions. Invitae Evidence Modeling of protein sequence and biophysical properties (such as structural, functional, and spatial information, amino acid conservation, physicochemical variation, residue mobility, and thermodynamic stability) indicates that this missense variant is not expected to disrupt OCRL protein function with a negative predictive value of 95%. In summary, the available evidence is currently insufficient to determine the role of this variant in disease. Therefore, it has been classified as a Variant of Uncertain Significance.

Ambry Genetics
Classification: Uncertain significance for Nephrolithiasis/nephrocalcinosis. Last evaluated: 2025-04-21. Review status: criteria provided, single submitter. Criteria: Ambry Variant Classification Scheme 2023. Collection method: clinical testing. Allele origin: germline.